The following is an entry in ClinVar:

NM_016222.4(DDX41):c.681G>A (p.Thr227=)

Gene: DDX41 (DEAD-box helicase 41; minus strand). Cytogenetic location: 5q35.3.
Variant type: single nucleotide variant.
Coding change: c.681G>A on transcript NM_016222.4 (MANE Select); coding-DNA position 681, G replaced by A.
Protein change: p.Thr227=; no amino-acid change (threonine 227 retained).
Molecular consequence: synonymous variant.
Genome position (GRCh38, 1-based): chr5:177,515,033, C>T on the plus strand (G>A on the coding strand, the complement: DDX41 is on the minus strand). VCF-style: chr5-177515033-C-T. GRCh37 (hg19) VCF-style: chr5-176942034-C-T.
Other names: c.303G>A, p.Thr101= (NM_001321732.2, NM_001321830.2).
Identifiers: ClinVar variation 3838918 (VCV003838918.1).
Genomic context (GRCh38, chr5:177,515,033, plus strand): 5'-CTCTTGTTCCAGGCAGAACATGATGACGGGCAACGTGAACACCAGTGTCTTGCCTGAACC[C>T]GTGAAAGCGATGCCTATCATGTCACGGCCAGATAGACTGTTGGGAGAGGATGACCCGAGG-3'
Protein context (NP_057306.2, residues 217-237): SGRDMIGIAF[Thr227=]GSGKTLVFTL

ClinVar aggregate classification (germline): Uncertain significance (1 of 4 stars; one submission).

Conditions:
Inborn genetic diseases. Identifiers: MedGen C0950123, MeSH D030342.

gnomAD v4.1: 7 of 1,613,300 alleles (0.00043%); highest among the groups gnomAD compares: East Asian, 0.0022%; no homozygotes.

Submission:

Ambry Genetics
Classification: Uncertain significance for Inborn genetic diseases. Last evaluated: 2024-12-19. Review status: criteria provided, single submitter. Criteria: Ambry Variant Classification Scheme 2023. Collection method: clinical testing. Allele origin: germline.
Comment: The c.681G>A variant (also known as p.T227T), located in coding exon 8 of the DDX41 gene, results from a G to A substitution at nucleotide position 681. This nucleotide substitution does not change the amino acid at codon 227. This variant has been detected in an individual with a myeloproliferative neoplasm (Maierhofer A et al. Blood Adv, 2023 Dec;7:7346-7357). This nucleotide position is well conserved in available vertebrate species. In silico splice site analysis predicts that this alteration will weaken the native splice acceptor site and will result in the creation or strengthening of a novel splice acceptor site. RNA studies have demonstrated that this alteration results in a splice defect; the clinical impact of this abnormal splicing is unknown at this time (Ambry internal data). Based on the available evidence, the clinical significance of this variant remains unclear.

Literature cited by the submitters: PubMed 37874914.